The following is an entry in ClinVar:

NM_001378454.1(ALMS1):c.6373C>T (p.Pro2125Ser)

Gene: ALMS1 (ALMS1 centrosome and basal body associated protein; plus strand). Cytogenetic location: 2p13.1.
Variant type: single nucleotide variant.
Coding change: c.6373C>T on transcript NM_001378454.1 (MANE Select); coding-DNA position 6373, C replaced by T.
Protein change: p.Pro2125Ser; replaces proline 2125 with serine.
Molecular consequence: missense variant.
Genome position (GRCh38, 1-based): chr2:73,452,900, C>T. VCF-style: chr2-73452900-C-T. GRCh37 (hg19) VCF-style: chr2-73680027-C-T.
Other names: c.6376C>T, p.Pro2126Ser (NM_015120.4); short protein forms P2126S, P2125S.
Identifiers: ClinVar variation 4981112 (VCV004981112.1).

ClinVar aggregate classification (germline): Uncertain significance (1 of 4 stars; one submission).

Conditions:
ALMS1-related disorder. Also called: ALMS1-related condition.

Submission:

PreventionGenetics, part of Exact Sciences
Classification: Uncertain significance for ALMS1-related condition. Last evaluated: 2025-12-17. Review status: criteria provided, single submitter. Criteria: ACMG Guidelines, 2015. Collection method: clinical testing. Allele origin: germline.
Comment: The ALMS1 c.6376C>T variant is predicted to result in the amino acid substitution p.Pro2126Ser. To our knowledge, this variant has not been reported in the literature. This variant is reported in 0.014% of alleles in individuals of Latino descent in gnomAD. At this time, the clinical significance of this variant is uncertain due to the absence of conclusive functional and genetic evidence.